The following is an entry in ClinVar:

ClinVar aggregate classification (germline): Conflicting classifications of pathogenicity. Review status: criteria provided, conflicting classifications (1 of 4 stars). 9 submissions from 7 submitters: Uncertain significance (2); Benign (3); Likely benign (4). Last evaluated 2026-06-16.

Conditions:
Neuropathy, hereditary sensory and autonomic, type 2A (HSAN2A). Also called: NEUROPATHY, CONGENITAL SENSORY; NEUROPATHY, HEREDITARY SENSORY RADICULAR, AUTOSOMAL RECESSIVE; NEUROPATHY, HEREDITARY SENSORY, TYPE IIA; NEUROPATHY, PROGRESSIVE SENSORY, OF CHILDREN; WNK1-Related HSAN2 (HSAN2A); ACROOSTEOLYSIS, GIACCAI TYPE. Identifiers: Orphanet 970, MedGen C2752089, MONDO:0024309, OMIM 201300.
Generalized epilepsy with febrile seizures plus, type 7 (GEFSP7). Also called: GEFS+, TYPE 7. Identifiers: Orphanet 36387, MedGen C2751778, MONDO:0013470, OMIM 613863.
Channelopathy-associated congenital insensitivity to pain, autosomal recessive. Also called: ASYMBOLIA FOR PAIN; CONGENITAL ANALGESIA, AUTOSOMAL RECESSIVE; Insensitivity to pain, channelopathy-associated. Identifiers: Orphanet 88642, Orphanet 970, MedGen C1855739, MONDO:0009459, OMIM 243000.
Paroxysmal extreme pain disorder (PEXPD). Also called: PAIN, SUBMANDIBULAR, OCULAR, AND RECTAL, WITH FLUSHING; RECTAL PAIN, FAMILIAL; SCN9A Paroxysmal Extreme Pain Disorder (SCN9A-PEPD). Identifiers: Orphanet 46348, MedGen C1833661, MONDO:0008179, OMIM 167400.
Primary erythromelalgia. Also called: SCN9A Erythromelalgia (SCN9A-EM); primary erythermalgia. Identifiers: Orphanet 306577, Orphanet 90026, MedGen C0014805, MONDO:0007571, OMIM 133020.
Inborn genetic diseases. Identifiers: MedGen C0950123, MeSH D030342.

Allele frequency attached by ClinVar (database versions not stated): ExAC 0.00028; ESP Exome Variant Server 0.00033; gnomAD exomes 0.00043; TOPMed 0.00051; gnomAD 0.00052 and 0.00053; 1000 Genomes Project 0.00060; 1000 Genomes Project 30x 0.00094.
gnomAD v4.1: 870 of 1,612,628 alleles (0.054%); highest among the groups gnomAD compares: Non-Finnish European, 0.064%; 1 homozygote.

Submissions (9):

Women's Health and Genetics/Laboratory Corporation of America, LabCorp
Classification: Likely benign. Last evaluated: 2026-06-16. Review status: criteria provided, single submitter. Criteria: LabCorp Variant Classification Summary - May 2015. Collection method: clinical testing. Allele origin: germline.
Comment: Variant summary: SCN9A c.3369G>T (p.Leu1123Phe) results in a non-conservative amino acid change in the encoded protein sequence. Algorithms developed to predict the effect of missense changes on protein structure and function are either unavailable or do not agree on the potential impact of this missense change. The variant allele was found at a frequency of 0.00043 in 248186 control chromosomes, predominantly at a frequency of 0.0013 within the Finnish subpopulation in the gnomAD database. The observed variant frequency within Finnish control individuals in the gnomAD database exceeds the estimated maximal expected allele frequency for disease-causing variants in SCN9A. c.3369G>T has been observed in the heterozygous state in individuals with clinical features of SCN9A-related conditions, without strong evidence for causality (e.g. Singh_209, Antoniadi_2015, Wadhawan_2017). These reports do not provide unequivocal conclusions about association of the variant with disease. To our knowledge, no experimental evidence demonstrating an impact on protein function has been reported. The following publications have been ascertained in the context of this evaluation (PMID: 26392352, 19763161, 29264398). ClinVar contains an entry for this variant (Variation ID: 258885). Based on the evidence outlined above, the variant was classified as likely benign.

Labcorp Genetics (formerly Invitae), Labcorp
Classification: Benign for Neuropathy, hereditary sensory and autonomic, type 2A; Generalized epilepsy with febrile seizures plus, type 7. Last evaluated: 2026-02-03. Review status: criteria provided, single submitter. Criteria: Invitae Variant Classification Sherloc (09022015). Collection method: clinical testing. Allele origin: germline.

CeGaT Center for Human Genetics Tuebingen
Classification: Likely benign. Last evaluated: 2024-08-01. Review status: criteria provided, single submitter. Criteria: CeGaT Center For Human Genetics Tuebingen Variant Classification Criteria Version 2. Collection method: clinical testing. Allele origin: germline. Affected: yes. Observed: 1 variant allele.
Comment: SCN9A: BP4

Ambry Genetics
Classification: Likely benign for Inborn genetic diseases. Last evaluated: 2024-02-26. Review status: criteria provided, single submitter. Criteria: Ambry Variant Classification Scheme 2023. Collection method: clinical testing. Allele origin: germline.

GeneDx
Classification: Uncertain significance. Last evaluated: 2023-08-21. Review status: criteria provided, single submitter. Criteria: GeneDx Variant Classification Process June 2021. Collection method: clinical testing. Allele origin: germline. Affected: yes.
Comment: Reported in a patient with a clinical diagnosis of Dravet syndrome who had a variant in the SCN1A gene that may have been responsible for the phenotype (Singh et al., 2009); Reported in 3 individuals with autism spectrum disorder and was not detected in 1126 control individuals; however, additional information was not provided (Rubinstein et al., 2016); Reported in a patient with a clinical diagnosis of CMT2 who had a duplication of the PMP22 gene that may have been responsible for the phenotype (Antoniadi et al., 2015); In silico analysis supports that this missense variant does not alter protein structure/function; This variant is associated with the following publications: (PMID: 19763161, 27956748, 28488083, 26392352)

Illumina Laboratory Services, Illumina
Classification: Benign for Paroxysmal extreme pain disorder. Last evaluated: 2017-04-28. Review status: criteria provided, single submitter. Criteria: ICSL Variant Classification Criteria 13 December 2019. Collection method: clinical testing. Allele origin: germline.
Comment: This variant was observed as part of a predisposition screen in an ostensibly healthy population. A literature search was performed for the gene, cDNA change, and amino acid change (where applicable). No publications were found based on this search. Allele frequency data from public databases was too high to be consistent with this variant causing disease. Therefore, this variant is classified as benign.

Illumina Laboratory Services, Illumina
Classification: Benign for Primary erythromelalgia. Last evaluated: 2017-04-28. Review status: criteria provided, single submitter. Criteria: ICSL Variant Classification Criteria 13 December 2019. Collection method: clinical testing. Allele origin: germline.
Comment: the same text as in the submission from Illumina Laboratory Services, Illumina above.

Illumina Laboratory Services, Illumina
Classification: Uncertain significance for Channelopathy-associated congenital insensitivity to pain, autosomal recessive. Last evaluated: 2017-04-28. Review status: criteria provided, single submitter. Criteria: ICSL Variant Classification Criteria 13 December 2019. Collection method: clinical testing. Allele origin: germline.

PreventionGenetics, part of Exact Sciences
Classification: Likely benign. Review status: criteria provided, single submitter. Criteria: ACMG Guidelines, 2015. Collection method: clinical testing. Allele origin: germline.

Literature cited by the submitters: PubMed 26392352 (cited by Women's Health and Genetics/Laboratory Corporation of America, LabCorp); PubMed 19763161 (cited by Women's Health and Genetics/Laboratory Corporation of America, LabCorp); PubMed 29264398 (cited by Women's Health and Genetics/Laboratory Corporation of America, LabCorp).

NM_001365536.1(SCN9A):c.3402G>T (p.Leu1134Phe)

Genes: SCN1A-AS1 (SCN1A and SCN9A antisense RNA 1; plus strand), SCN9A (sodium voltage-gated channel alpha subunit 9; minus strand). Cytogenetic location: 2q24.3.
Variant type: single nucleotide variant.
Coding change: c.3402G>T on transcript NM_001365536.1 (MANE Select); coding-DNA position 3402, G replaced by T.
Protein change: p.Leu1134Phe; replaces leucine 1134 with phenylalanine.
Molecular consequence: missense variant. On other transcripts: non-coding transcript variant (1).
Genome position (GRCh38, 1-based): chr2:166,251,835, C>A on the plus strand (G>T on the coding strand, the complement: SCN9A is on the minus strand). VCF-style: chr2-166251835-C-A. GRCh37 (hg19) VCF-style: chr2-167108345-C-A.
Other names: c.3369G>T, p.Leu1123Phe (NM_002977.4); short protein forms L1123F, L1134F.
Identifiers: ClinVar variation 258885 (VCV000258885.41), dbSNP rs200160858, ClinGen allele CA1944069.